The following is an entry in ClinVar:

NM_000479.5(AMH):c.1181C>T (p.Pro394Leu)

Gene: AMH (anti-Mullerian hormone; plus strand). Cytogenetic location: 19p13.3.
Variant type: single nucleotide variant.
Coding change: c.1181C>T on transcript NM_000479.5 (MANE Select); coding-DNA position 1181, C replaced by T.
Protein change: p.Pro394Leu; replaces proline 394 with leucine.
Molecular consequence: missense variant.
Genome position (GRCh38, 1-based): chr19:2,251,455, C>T. VCF-style: chr19-2251455-C-T. GRCh37 (hg19) VCF-style: chr19-2251454-C-T.
Other names: short protein forms P394L.
Identifiers: ClinVar variation 4695442 (VCV004695442.1).

ClinVar aggregate classification (germline): Uncertain significance (1 of 4 stars; one submission).

gnomAD v4.1: 1 of 1,431,994 alleles (0.00007%); highest among the groups gnomAD compares: Non-Finnish European, 0.000091%; no homozygotes.

Submission:

Labcorp Genetics (formerly Invitae), Labcorp
Classification: Uncertain significance. Last evaluated: 2025-06-24. Review status: criteria provided, single submitter. Criteria: Invitae Variant Classification Sherloc (09022015). Collection method: clinical testing. Allele origin: germline.
Comment: This sequence change replaces proline, which is neutral and non-polar, with leucine, which is neutral and non-polar, at codon 394 of the AMH protein (p.Pro394Leu). This variant is not present in population databases (gnomAD no frequency). This variant has not been reported in the literature in individuals affected with AMH-related conditions. An algorithm developed to predict the effect of missense changes on protein structure and function (PolyPhen-2) suggests that this variant is likely to be tolerated. In summary, the available evidence is currently insufficient to determine the role of this variant in disease. Therefore, it has been classified as a Variant of Uncertain Significance.